The following is an entry in ClinVar:

NM_001384474.1(LOXHD1):c.3218C>G (p.Thr1073Arg)

Gene: LOXHD1 (lipoxygenase homology PLAT domains 1; minus strand). Cytogenetic location: 18q21.1.
Variant type: single nucleotide variant.
Coding change: c.3218C>G on transcript NM_001384474.1 (MANE Select); coding-DNA position 3218, C replaced by G.
Protein change: p.Thr1073Arg; replaces threonine 1073 with arginine.
Molecular consequence: missense variant. On other transcripts: 5 prime UTR variant (1).
Genome position (GRCh38, 1-based): chr18:46,557,488, G>C on the plus strand (C>G on the coding strand, the complement: LOXHD1 is on the minus strand). VCF-style: chr18-46557488-G-C. GRCh37 (hg19) VCF-style: chr18-44137451-G-C.
Other names: c.-116C>G (NM_001145472.3); c.3218C>G, p.Thr1073Arg (NM_144612.7); short protein forms T1073R.
Identifiers: ClinVar variation 517302 (VCV000517302.6), dbSNP rs1353205519, ClinGen allele CA402368890.
Genomic context (GRCh38, chr18:46,557,488, plus strand): 5'-TGGCGAATCCGAATCTTGGTCAGGGCCCCCAGGTCAATGGCATAGATGGTGAAGGTGTCT[G>C]TCTGGGAAGGGCCAGGGAACACTCAGTGGGGTAAGACCTACCCCTCCCCACATGGCCATC-3'
Protein context (NP_001371403.1, residues 1063-1083): DKSNKFEQGQ[Thr1073Arg]DTFTIYAIDL

ClinVar aggregate classification (germline): Uncertain significance. Review status: criteria provided, multiple submitters, no conflicts (2 of 4 stars). 3 submissions from 3 submitters: Uncertain significance (2). 1 of the submissions does not count toward it. Last evaluated 2025-09-25.

Conditions:
Inborn genetic diseases. Identifiers: MedGen C0950123, MeSH D030342.
Autosomal recessive nonsyndromic hearing loss 77. Identifiers: Orphanet 90636, MedGen C2746083, MONDO:0013119, OMIM 613079.

Allele frequency attached by ClinVar (database versions not stated): gnomAD 0.00003; TOPMed 0.00003.
gnomAD v4.1: 53 of 1,551,772 alleles (0.0034%); highest among the groups gnomAD compares: Non-Finnish European, 0.0045%; no homozygotes.

Submissions (3):

Ambry Genetics
Classification: Uncertain significance for Inborn genetic diseases. Last evaluated: 2025-09-25. Review status: criteria provided, single submitter. Criteria: Ambry Variant Classification Scheme 2023. Collection method: clinical testing. Allele origin: germline.

Laboratory for Molecular Medicine, Mass General Brigham Personalized Medicine
Classification: Uncertain significance. Last evaluated: 2017-03-31. Review status: criteria provided, single submitter. Criteria: LMM Criteria. Collection method: clinical testing. Allele origin: germline. Observed: 1 variant allele.
Comment: The p.Thr1073Arg variant in LOXHD1 has not been previously reported in individua ls with hearing loss, but it has been identified in 1/14994 European chromosomes by the Genome Aggregation Database gnomAD). A lthough this variant has been seen in the general population, its frequency is n ot high enough to rule out a pathogenic role. Computational prediction tools and conservation analyses do not provide strong support for or against an impact to the protein. In summary, the clinical significance of the p.Thr1073Arg variant is uncertain.

Natera, Inc.
Classification: Uncertain significance for Autosomal recessive deafness type 77. Last evaluated: 2020-08-04. Review status: no assertion criteria provided. Collection method: clinical testing. Allele origin: germline. Not counted in ClinVar's aggregate classification.